The following is an entry in ClinVar:

ClinVar aggregate classification (germline): Uncertain significance. Review status: criteria provided, multiple submitters, no conflicts (2 of 4 stars). 3 submissions from 2 submitters: Uncertain significance (3). Last evaluated 2024-01-11.

Conditions:
Papillon-Lefèvre syndrome (PALS). Also called: KERATOSIS PALMOPLANTARIS WITH PERIODONTOPATHIA; Papillon-Lefevre Disease. Identifiers: Orphanet 678, MedGen C0030360, MONDO:0009490, OMIM 245000.
Periodontitis, aggressive. Identifiers: MedGen C0031106, MONDO:0980757.
Haim-Munk syndrome (HMS). Also called: COCHIN JEWISH DISORDER; KERATOSIS PALMOPLANTARIS WITH PERIODONTOPATHIA AND ONYCHOGRYPOSIS. Identifiers: Orphanet 2342, MedGen C1855627, MONDO:0009491, OMIM 245010.

Allele frequency attached by ClinVar (database versions not stated): TOPMed 0.00010; ESP Exome Variant Server 0.00023.
gnomAD v4.1: 181 of 1,613,856 alleles (0.011%); highest among the groups gnomAD compares: Non-Finnish European, 0.014%; no homozygotes.

Submissions (3):

Labcorp Genetics (formerly Invitae), Labcorp
Classification: Uncertain significance for Haim-Munk syndrome; Periodontitis, aggressive; Papillon-Lefèvre syndrome. Last evaluated: 2024-01-11. Review status: criteria provided, single submitter. Criteria: Invitae Variant Classification Sherloc (09022015). Collection method: clinical testing. Allele origin: germline.
Comment: This sequence change replaces asparagine, which is neutral and polar, with lysine, which is basic and polar, at codon 398 of the CTSC protein (p.Asn398Lys). This variant is present in population databases (rs201519830, gnomAD 0.006%). This variant has not been reported in the literature in individuals affected with CTSC-related conditions. ClinVar contains an entry for this variant (Variation ID: 306418). Advanced modeling of protein sequence and biophysical properties (such as structural, functional, and spatial information, amino acid conservation, physicochemical variation, residue mobility, and thermodynamic stability) performed at Invitae indicates that this missense variant is expected to disrupt CTSC protein function with a positive predictive value of 80%. In summary, the available evidence is currently insufficient to determine the role of this variant in disease. Therefore, it has been classified as a Variant of Uncertain Significance.

Illumina Laboratory Services, Illumina
Classification: Uncertain significance for Papillon-Lefèvre syndrome. Last evaluated: 2018-01-12. Review status: criteria provided, single submitter. Criteria: ICSL Variant Classification Criteria 13 December 2019. Collection method: clinical testing. Allele origin: germline.

Illumina Laboratory Services, Illumina
Classification: Uncertain significance for Haim-Munk syndrome. Last evaluated: 2018-01-12. Review status: criteria provided, single submitter. Criteria: ICSL Variant Classification Criteria 13 December 2019. Collection method: clinical testing. Allele origin: germline.

NM_001814.6(CTSC):c.1194C>G (p.Asn398Lys)

Gene: CTSC (cathepsin C; minus strand). Cytogenetic location: 11q14.2.
Variant type: single nucleotide variant.
Coding change: c.1194C>G on transcript NM_001814.6 (MANE Select); coding-DNA position 1194, C replaced by G.
Protein change: p.Asn398Lys; replaces asparagine 398 with lysine.
Molecular consequence: missense variant.
Genome position (GRCh38, 1-based): chr11:88,294,204, G>C on the plus strand (C>G on the coding strand, the complement: CTSC is on the minus strand). VCF-style: chr11-88294204-G-C. GRCh37 (hg19) VCF-style: chr11-88027372-G-C.
Other names: c.1194C>G (LRG_50t1); short protein forms N398K.
Identifiers: ClinVar variation 306418 (VCV000306418.12), dbSNP rs201519830, ClinGen allele CA6219757.